The following is an entry in ClinVar:

ClinVar aggregate classification (germline): Uncertain significance (1 of 4 stars; one submission).

Submission:

Ambry Genetics
Classification: Uncertain significance. Last evaluated: 2026-09-08. Review status: criteria provided, single submitter. Criteria: Ambry Variant Classification Scheme 2023. Collection method: clinical testing. Allele origin: germline.
Comment: The c.903delC (p.V302Cfs*30) alteration, located in exon 10 (coding exon 9) of the PRKAR1B gene, consists of a deletion of one nucleotide at position 903, causing a translational frameshift with a predicted alternate stop codon after 30 amino acids. This variant is not expected to trigger nonsense-mediated mRNA decay, and impacts the last 21% of the protein. Premature stop codons are typically deleterious in nature; however, loss-of-function of PRKAR1B has not been established as a mechanism of disease. This variant was not reported in population-based cohorts in the Genome Aggregation Database (gnomAD). Based on insufficient or conflicting evidence, the clinical significance of this alteration remains unclear.

NM_001164760.2(PRKAR1B):c.903del (p.Val302fs)

Gene: PRKAR1B (protein kinase cAMP-dependent type I regulatory subunit beta; minus strand). Cytogenetic location: 7p22.3.
Variant type: Deletion.
Coding change: c.903del on transcript NM_001164760.2 (MANE Select); coding-DNA position 903, one base deleted (C; older notation c.903delC).
Protein change: p.Val302fs; shifts the reading frame from valine 302.
Molecular consequence: frameshift variant.
Genome position (GRCh38, 1-based): chr7:551,459, G deleted on the plus strand (C on the coding strand, the reverse complement: PRKAR1B is on the minus strand); the first of 2 consecutive G bases (chr7:551,459-551,460); deleting either gives the same sequence. VCF-style (leftmost placement, unchanged base first): chr7-551458-CG-C. GRCh37 (hg19) VCF-style: chr7-591095-CG-C.
Other names: c.903del, p.Val302fs (NM_001164758.2, NM_001164759.1, NM_001164761.2 and 2 more transcripts); short protein forms V302fs.
Identifiers: ClinVar variation 5027355 (VCV005027355.1).